The following is an entry in ClinVar:

ClinVar aggregate classification (germline): Likely benign (0 of 4 stars; one submission).

Conditions:
BRWD1-related disorder. Also called: BRWD1-related condition.

Allele frequency attached by ClinVar (database versions not stated): ExAC 0.00004; gnomAD 0.00004; TOPMed 0.00006; gnomAD exomes 0.00008; ESP Exome Variant Server 0.00015.
gnomAD v4.1: 123 of 1,611,634 alleles (0.0076%); highest among the groups gnomAD compares: Non-Finnish European, 0.0097%; no homozygotes.

Submission:

PreventionGenetics, part of Exact Sciences
Classification: Likely benign for BRWD1-related condition. Last evaluated: 2019-08-08. Review status: no assertion criteria provided. Collection method: clinical testing. Allele origin: germline.
Comment: This variant is classified as likely benign based on ACMG/AMP sequence variant interpretation guidelines (Richards et al. 2015 PMID: 25741868, with internal and published modifications).

NM_033656.4(BRWD1):c.1944C>G (p.Arg648=)

Gene: BRWD1 (bromodomain and WD repeat domain containing 1; minus strand). Cytogenetic location: 21q22.2.
Variant type: single nucleotide variant.
Coding change: c.1944C>G on transcript NM_033656.4 (MANE Select); coding-DNA position 1944, C replaced by G.
Protein change: p.Arg648=; no amino-acid change (arginine 648 retained).
Molecular consequence: synonymous variant.
Genome position (GRCh38, 1-based): chr21:39,258,614, G>C on the plus strand (C>G on the coding strand, the complement: BRWD1 is on the minus strand). VCF-style: chr21-39258614-G-C. GRCh37 (hg19) VCF-style: chr21-40630540-G-C.
Other names: c.1944C>G, p.Arg648= (NM_018963.5).
Identifiers: ClinVar variation 3035481 (VCV003035481.2), dbSNP rs368481106, ClinGen allele CA10027355.